The following is an entry in ClinVar:

ClinVar aggregate classification (germline): Uncertain significance (1 of 4 stars; one submission).

Conditions:
Niemann-Pick disease, type C1. Also called: NIEMANN-PICK DISEASE, VARIANT TYPE C1; NEUROVISCERAL STORAGE DISEASE WITH VERTICAL SUPRANUCLEAR OPHTHALMOPLEGIA; NIEMANN-PICK DISEASE WITH CHOLESTEROL ESTERIFICATION BLOCK; NIEMANN-PICK DISEASE WITHOUT SPHINGOMYELINASE DEFICIENCY; NIEMANN-PICK DISEASE, CHRONIC NEURONOPATHIC FORM. Identifiers: Orphanet 646, MedGen C3179455, MONDO:0009757, OMIM 257220.

Submission:

Labcorp Genetics (formerly Invitae), Labcorp
Classification: Uncertain significance for Niemann-Pick disease, type C1. Last evaluated: 2022-02-21. Review status: criteria provided, single submitter. Criteria: Invitae Variant Classification Sherloc (09022015). Collection method: clinical testing. Allele origin: germline.
Comment: This sequence change replaces tyrosine, which is neutral and polar, with cysteine, which is neutral and slightly polar, at codon 475 of the NPC1 protein (p.Tyr475Cys). This variant is not present in population databases (gnomAD no frequency). This variant has not been reported in the literature in individuals affected with NPC1-related conditions. Algorithms developed to predict the effect of missense changes on protein structure and function are either unavailable or do not agree on the potential impact of this missense change (SIFT: "Tolerated"; PolyPhen-2: "Probably Damaging"; Align-GVGD: "Class C15"). In summary, the available evidence is currently insufficient to determine the role of this variant in disease. Therefore, it has been classified as a Variant of Uncertain Significance.

NM_000271.5(NPC1):c.1424A>G (p.Tyr475Cys)

Gene: NPC1 (NPC intracellular cholesterol transporter 1; minus strand). Cytogenetic location: 18q11.2.
Variant type: single nucleotide variant.
Coding change: c.1424A>G on transcript NM_000271.5 (MANE Select); coding-DNA position 1424, A replaced by G.
Protein change: p.Tyr475Cys; replaces tyrosine 475 with cysteine.
Molecular consequence: missense variant.
Genome position (GRCh38, 1-based): chr18:23,554,887, T>C on the plus strand (A>G on the coding strand, the complement: NPC1 is on the minus strand). VCF-style: chr18-23554887-T-C. GRCh37 (hg19) VCF-style: chr18-21134851-T-C.
Other names: short protein forms Y475C.
Identifiers: ClinVar variation 2100895 (VCV002100895.1), dbSNP rs2511276218, ClinGen allele CA401775749.